The following is an entry in ClinVar:

NM_001113491.2(SEPTIN9):c.334A>G (p.Ile112Val)

Gene: SEPTIN9 (septin 9; plus strand). Cytogenetic location: 17q25.3.
Variant type: single nucleotide variant.
Coding change: c.334A>G on transcript NM_001113491.2 (MANE Select); coding-DNA position 334, A replaced by G.
Protein change: p.Ile112Val; replaces isoleucine 112 with valine.
Molecular consequence: missense variant. On other transcripts: 5 prime UTR variant (2).
Genome position (GRCh38, 1-based): chr17:77,402,316, A>G. VCF-style: chr17-77402316-A-G. GRCh37 (hg19) VCF-style: chr17-75398398-A-G.
Other names: c.-159A>G (NM_001113492.2, NM_001113494.1); c.313A>G, p.Ile105Val (NM_001113493.2); c.277A>G, p.Ile93Val (NM_001293695.2); c.280A>G, p.Ile94Val (NM_006640.5); short protein forms I105V, I93V, I94V, I112V.
Identifiers: ClinVar variation 2999433 (VCV002999433.3), dbSNP rs1356868934, ClinGen allele CA401205953.

ClinVar aggregate classification (germline): Uncertain significance (1 of 4 stars; one submission).

Allele frequency attached by ClinVar (database versions not stated): TOPMed below 0.00001; gnomAD 0.00001; gnomAD exomes 0.00001.
gnomAD v4.1: 9 of 1,612,630 alleles (0.00056%); highest among the groups gnomAD compares: Admixed American, 0.0017%; no homozygotes.

Submission:

Labcorp Genetics (formerly Invitae), Labcorp
Classification: Uncertain significance. Last evaluated: 2023-11-17. Review status: criteria provided, single submitter. Criteria: Invitae Variant Classification Sherloc (09022015). Collection method: clinical testing. Allele origin: germline.
Comment: This sequence change replaces isoleucine, which is neutral and non-polar, with valine, which is neutral and non-polar, at codon 94 of the SEPT9 protein (p.Ile94Val). This variant is present in population databases (no rsID available, gnomAD 0.003%). This variant has not been reported in the literature in individuals affected with SEPT9-related conditions. Advanced modeling of protein sequence and biophysical properties (such as structural, functional, and spatial information, amino acid conservation, physicochemical variation, residue mobility, and thermodynamic stability) performed at Invitae indicates that this missense variant is not expected to disrupt SEPT9 protein function with a negative predictive value of 80%. In summary, the available evidence is currently insufficient to determine the role of this variant in disease. Therefore, it has been classified as a Variant of Uncertain Significance.